The following is an entry in ClinVar:

NM_001374736.1(DST):c.16435C>T (p.Arg5479Ter)

Gene: DST (dystonin; minus strand). Cytogenetic location: 6p12.1.
Variant type: single nucleotide variant.
Coding change: c.16435C>T on transcript NM_001374736.1 (MANE Select); coding-DNA position 16435, C replaced by T.
Protein change: p.Arg5479Ter; replaces arginine 5479 with a stop codon.
Molecular consequence: nonsense.
Genome position (GRCh38, 1-based): chr6:56,552,357, G>A on the plus strand (C>T on the coding strand, the complement: DST is on the minus strand). VCF-style: chr6-56552357-G-A. GRCh37 (hg19) VCF-style: chr6-56417155-G-A.
Other names: c.10078C>T, p.Arg3360Ter (NM_001144769.5); c.9664C>T, p.Arg3222Ter (NM_001144770.2); c.16435C>T, p.Arg5479Ter (NM_001374722.1); c.15802C>T, p.Arg5268Ter (NM_001374729.1); c.9544C>T, p.Arg3182Ter (NM_001374730.1, NM_001386100.1, NM_183380.4); c.16462C>T, p.Arg5488Ter (NM_001374734.1); c.8566C>T, p.Arg2856Ter (NM_015548.5); short protein forms R2856*, R3222*, R3360*, R5268*, R5479*, R5488*, R3182*.
Identifiers: ClinVar variation 1407009 (VCV001407009.6), dbSNP rs2152554942, ClinGen allele CA364513602.
Genomic context (GRCh38, chr6:56,552,357, plus strand): 5'-TGTAAAATTCTTCAAGGCGCTTAATTGTCCCTTCAACCTGCTCTTCTCTGGCTTGGGCTC[G>A]GTCCAGTAACTTGTTGCATTGTTTGCTTAAGGCCTCCAAGTCCCTTTTGATTCCAACAAG-3'

ClinVar aggregate classification (germline): Pathogenic (1 of 4 stars; one submission).

Conditions:
Epidermolysis bullosa simplex 3, localized or generalized intermediate, with BP230 deficiency (EBS3). Also called: Epidermolysis bullosa simplex, autosomal recessive 2; Epidermolysis bullosa simplex due to BP230 deficiency. Identifiers: Orphanet 412181, MedGen C3809470, MONDO:0014180, OMIM 615425.
Hereditary sensory and autonomic neuropathy type 6. Also called: HSAN VI; Neuropathy, hereditary sensory and autonomic, type VI. Identifiers: Orphanet 314381, MedGen C3539003, MONDO:0013839, OMIM 614653.

gnomAD v4.1: 1 of 1,613,860 alleles (0.000062%); highest among the groups gnomAD compares: Non-Finnish European, 0.000085%; no homozygotes.

Submission:

Labcorp Genetics (formerly Invitae), Labcorp
Classification: Pathogenic for Epidermolysis bullosa simplex 3, localized or generalized intermediate, with BP230 deficiency; Hereditary sensory and autonomic neuropathy type 6. Last evaluated: 2021-08-12. Review status: criteria provided, single submitter. Criteria: Invitae Variant Classification Sherloc (09022015). Collection method: clinical testing. Allele origin: germline.
Comment: This variant is not present in population databases (ExAC no frequency). This sequence change creates a premature translational stop signal (p.Arg2856*) in the DST gene. The DST gene has multiple clinically relevant transcripts. The p.Arg2856* variant occurs in alternate transcript NM_015548.4, which corresponds to NM_001723.5:c.*63160C>T, the primary transcript listed in the Methods. It is expected to result in an absent or disrupted protein product. Loss-of-function variants in DST are known to be pathogenic (PMID: 22522446, 25059916, 30371979). This variant has not been reported in the literature in individuals affected with DST-related conditions. For these reasons, this variant has been classified as Pathogenic.

Literature cited by the submitters: PubMed 22522446; PubMed 25059916; PubMed 30371979.